The following is an entry in ClinVar:

NM_006790.3(MYOT):c.149A>G (p.Gln50Arg)

Genes: MYOT (myotilin; plus strand), PKD2L2-DT (PKD2L2 divergent transcript; minus strand). Cytogenetic location: 5q31.2.
Variant type: single nucleotide variant.
Coding change: c.149A>G on transcript NM_006790.3 (MANE Select); coding-DNA position 149, A replaced by G.
Protein change: p.Gln50Arg; replaces glutamine 50 with arginine.
Molecular consequence: missense variant. On other transcripts: intron variant (2).
Genome position (GRCh38, 1-based): chr5:137,870,800, A>G. VCF-style: chr5-137870800-A-G. GRCh37 (hg19) VCF-style: chr5-137206489-A-G.
Other names: c.-120-77A>G (NM_001300911.2); c.-197+275A>G (NM_001135940.2).
Identifiers: ClinVar variation 129683 (VCV000129683.34), dbSNP rs34717730, ClinGen allele CA153837.

ClinVar aggregate classification (germline): Benign/Likely benign. Review status: criteria provided, multiple submitters, no conflicts (2 of 4 stars). 13 submissions from 13 submitters: Benign (8); Likely benign (2). 3 of the submissions do not count toward it. Last evaluated 2026-02-01.

Conditions:
Myofibrillar myopathy 3 (MFM3). Also called: Muscular dystrophy, proximal, type 1A; Autosomal dominant spheroid body myopathy. Identifiers: Orphanet 266, Orphanet 268129, MedGen C3714934, MONDO:0012215, OMIM 609200.

Allele frequency attached by ClinVar (database versions not stated): ESP Exome Variant Server 0.02568; ExAC 0.00772; gnomAD 0.02350 and 0.02506; 1000 Genomes Project 0.02776; 1000 Genomes Project 30x 0.03076; gnomAD exomes 0.00612; TOPMed 0.02661.

Submissions (13):

Labcorp Genetics (formerly Invitae), Labcorp
Classification: Benign for Myofibrillar myopathy 3. Last evaluated: 2026-02-01. Review status: criteria provided, single submitter. Criteria: Invitae Variant Classification Sherloc (09022015). Collection method: clinical testing. Allele origin: germline.

ARUP Laboratories, Molecular Genetics and Genomics, ARUP Laboratories
Classification: Benign for Myofibrillar myopathy 3. Last evaluated: 2023-11-22. Review status: criteria provided, single submitter. Criteria: ARUP Molecular Germline Variant Investigation Process 2024. Collection method: clinical testing. Allele origin: germline.

Women's Health and Genetics/Laboratory Corporation of America, LabCorp
Classification: Likely benign. Last evaluated: 2023-08-19. Review status: criteria provided, single submitter. Criteria: LabCorp Variant Classification Summary - May 2015. Collection method: clinical testing. Allele origin: germline.

Athena Diagnostics
Classification: Benign. Last evaluated: 2021-07-20. Review status: criteria provided, single submitter. Criteria: Athena Diagnostics Criteria. Collection method: clinical testing. Allele origin: unknown.

Mayo Clinic Laboratories, Mayo Clinic
Classification: Benign. Last evaluated: 2018-08-09. Review status: criteria provided, single submitter. Criteria: ACMG Guidelines, 2015. Collection method: clinical testing. Allele origin: germline. Observed: 14 variant alleles.

Illumina Laboratory Services, Illumina
Classification: Benign for Myofibrillar myopathy 3. Last evaluated: 2018-01-13. Review status: criteria provided, single submitter. Criteria: ICSL Variant Classification Criteria 13 December 2019. Collection method: clinical testing. Allele origin: germline.
Comment: This variant was observed in the ICSL laboratory as part of a predisposition screen in an ostensibly healthy population. It had not been previously curated by ICSL or reported in the Human Gene Mutation Database (HGMD: prior to June 1st, 2018), and was therefore a candidate for classification through an automated scoring system. Utilizing variant allele frequency, disease prevalence and penetrance estimates, and inheritance mode, an automated score was calculated to assess if this variant is too frequent to cause the disease. Based on the score and internal cut-off values, a variant classified as benign is not then subjected to further curation. The score for this variant resulted in a classification of benign for this disease.

GeneDx
Classification: Benign. Last evaluated: 2016-03-24. Review status: criteria provided, single submitter. Criteria: GeneDx Variant Classification (06012015). Collection method: clinical testing. Allele origin: germline. Affected: yes.
Comment: This variant is considered likely benign or benign based on one or more of the following criteria: it is a conservative change, it occurs at a poorly conserved position in the protein, it is predicted to be benign by multiple in silico algorithms, and/or has population frequency not consistent with disease.

Eurofins Ntd Llc (ga)
Classification: Benign. Last evaluated: 2013-12-16. Review status: criteria provided, single submitter. Criteria: EGL Classification Definitions 2015. Collection method: clinical testing. Allele origin: germline. Observed: 1 variant allele, 1 heterozygote.

Breakthrough Genomics
Classification: Likely benign. Review status: criteria provided, single submitter. Criteria: ACMG Guidelines, 2015. Collection method: not provided. Allele origin: germline. Inheritance: Autosomal dominant inheritance. Affected: yes.

PreventionGenetics, part of Exact Sciences
Classification: Benign. Review status: criteria provided, single submitter. Criteria: ACMG Guidelines, 2015. Collection method: clinical testing. Allele origin: germline.

Genetic Services Laboratory, University of Chicago
Classification: Likely benign for AllHighlyPenetrant. Review status: no assertion criteria provided. Collection method: clinical testing. Allele origin: germline. Inheritance: Autosomal dominant inheritance. Not counted in ClinVar's aggregate classification.
Comment: Likely benign based on allele frequency in 1000 Genomes Project or ESP global frequency and its presence in a patient with a rare or unrelated disease phenotype. NOT Sanger confirmed.

Genome Diagnostics Laboratory, University Medical Center Utrecht
Classification: Benign. Review status: no assertion criteria provided. Collection method: clinical testing. Allele origin: germline. Affected: yes. Study: VKGL Data-share Consensus. Not counted in ClinVar's aggregate classification.

Laboratory of Diagnostic Genome Analysis, Leiden University Medical Center (LUMC)
Classification: Likely benign. Review status: no assertion criteria provided. Collection method: clinical testing. Allele origin: germline. Affected: yes. Study: VKGL Data-share Consensus. Not counted in ClinVar's aggregate classification.